The following is an entry in ClinVar:

NM_000092.5(COL4A4):c.2968+1G>T

Gene: COL4A4 (collagen type IV alpha 4 chain; minus strand). Cytogenetic location: 2q36.3.
Variant type: single nucleotide variant.
Coding change: c.2968+1G>T on transcript NM_000092.5 (MANE Select); the canonical splice donor site of the intron after coding-DNA position 2968, G replaced by T.
Molecular consequence: splice donor variant.
Genome position (GRCh38, 1-based): chr2:227,052,304, C>A on the plus strand (G>T on the coding strand, the complement: COL4A4 is on the minus strand). VCF-style: chr2-227052304-C-A. GRCh37 (hg19) VCF-style: chr2-227917020-C-A.
Identifiers: ClinVar variation 1705598 (VCV001705598.5), dbSNP rs2474006520, ClinGen allele CA350839313.

ClinVar aggregate classification (germline): Pathogenic (1 of 4 stars; one submission).

Conditions:
Autosomal recessive Alport syndrome (ATS2). Also called: COL4A4 Alport Syndrome and Thin Basement Membrane Nephropathy; ALPORT SYNDROME 2, AUTOSOMAL RECESSIVE; Alport syndrome type 2; COL4A3-Related Nephropathy. Identifiers: Orphanet 63, Orphanet 88919, MedGen C4746745, MONDO:0008762, OMIM 203780.

Submission:

3billion
Classification: Pathogenic for Autosomal recessive Alport syndrome. Last evaluated: 2025-12-04. Review status: criteria provided, single submitter. Criteria: ACMG Guidelines, 2015. Collection method: clinical testing. Allele origin: germline. Affected: yes.
Comment: The variant is not observed in the gnomAD v4.1.0 dataset. Predicted Consequence/Location: Canonical splice site: predicted to alter splicing and result in a loss or disruption of normal protein function. Multiple pathogenic loss-of-function variants are reported downstream of the variant. In silico tools predict the variant to alter splicing and produce an abnormal transcript [SpliceAI: 0.98 (spliceogenicity >=0.2, non-spliceogenicity <0.1)]. The variant has been reported to be associated with COL4A4-related disorder (ClinVar ID: VCV001705598 /3billion dataset). Therefore, this variant is classified as Pathogenic according to the recommendation of ACMG/AMP guideline.